The following is an entry in ClinVar:

ClinVar aggregate classification (germline): Benign (0 of 4 stars; one submission).

Conditions:
SFTPA1-related disorder. Also called: SFTPA1-related condition.

gnomAD v4.1: 1,942 of 1,461,868 alleles (0.13%); highest among the groups gnomAD compares: African/African-American, 2.5%; 14 homozygotes.

Submissions (2):

PreventionGenetics, part of Exact Sciences
Classification: Benign for SFTPA1-related condition. Last evaluated: 2024-07-02. Review status: no assertion criteria provided. Collection method: clinical testing. Allele origin: germline.
Comment: This variant is classified as benign based on ACMG/AMP sequence variant interpretation guidelines (Richards et al. 2015 PMID: 25741868, with internal and published modifications).

Dr. Peter K. Rogan Lab, Western University
No classification provided (evidence only). Condition: Lung cancer. Review status: no classification provided. Collection method: in vitro. Allele origin: not applicable. Functional consequence: retained intron. Not counted in ClinVar's aggregate classification.

NM_005411.5(SFTPA1):c.-23-5T>G

Gene: SFTPA1 (surfactant protein A1; plus strand). Cytogenetic location: 10q22.3.
Variant type: single nucleotide variant.
Coding change: c.-23-5T>G on transcript NM_005411.5 (MANE Select); 5 bases into the intron before 23 bases upstream of the start codon, T replaced by G.
Molecular consequence: intron variant.
Genome position (GRCh38, 1-based): chr10:79,611,798, T>G. VCF-style: chr10-79611798-T-G. GRCh37 (hg19) VCF-style: chr10-81371554-T-G.
Other names: NC_000010.10:g.81371554T>G; c.-23-5T>G (NM_001164646.2, NM_001164644.2, NM_001164647.1); c.23-5T>G (NM_001164645.2, NM_001093770.3).
Identifiers: ClinVar variation 3350749 (VCV003350749.2).
Genomic context (GRCh38, chr10:79,611,798, plus strand): 5'-ACAGAGCACAGTGGGGGAGATGTTGGCAGAGGTGGCAGATGGGCTCACGGCCATCCCTCC[T>G]GCAGGAGCAGCGACTGGACCCAGAGCCATGTGGCTGTGCCCTCTGGCCCTCAACCTCATC-3'